The following is an entry in ClinVar:

NM_001113491.2(SEPTIN9):c.745G>A (p.Val249Ile)

Gene: SEPTIN9 (septin 9; plus strand). Cytogenetic location: 17q25.3.
Variant type: single nucleotide variant.
Coding change: c.745G>A on transcript NM_001113491.2 (MANE Select); coding-DNA position 745, G replaced by A.
Protein change: p.Val249Ile; replaces valine 249 with isoleucine.
Molecular consequence: missense variant. On other transcripts: 5 prime UTR variant (4).
Genome position (GRCh38, 1-based): chr17:77,482,167, G>A. VCF-style: chr17-77482167-G-A. GRCh37 (hg19) VCF-style: chr17-75478249-G-A.
Other names: c.253G>A, p.Val85Ile (NM_001113492.2, NM_001113494.1); c.724G>A, p.Val242Ile (NM_001113493.2); c.-9G>A (NM_001113495.2, NM_001113496.2, NM_001293697.2 and 1 more transcripts); c.688G>A, p.Val230Ile (NM_001293695.2); c.73G>A, p.Val25Ile (NM_001293696.2); c.691G>A, p.Val231Ile (NM_006640.5); short protein forms V230I, V249I, V25I, V231I, V242I, V85I.
Identifiers: ClinVar variation 3008894 (VCV003008894.3), dbSNP rs766525150, ClinGen allele CA8793515.

ClinVar aggregate classification (germline): Uncertain significance (1 of 4 stars; one submission).

Allele frequency attached by ClinVar (database versions not stated): gnomAD exomes 0.00001; TOPMed 0.00001; ExAC 0.00003.
gnomAD v4.1: 19 of 1,593,774 alleles (0.0012%); highest among the groups gnomAD compares: East Asian, 0.0068%; no homozygotes.

Submission:

Labcorp Genetics (formerly Invitae), Labcorp
Classification: Uncertain significance. Last evaluated: 2023-10-04. Review status: criteria provided, single submitter. Criteria: Invitae Variant Classification Sherloc (09022015). Collection method: clinical testing. Allele origin: germline.
Comment: This sequence change replaces valine, which is neutral and non-polar, with isoleucine, which is neutral and non-polar, at codon 231 of the SEPT9 protein (p.Val231Ile). This variant is present in population databases (rs766525150, gnomAD 0.008%). This variant has not been reported in the literature in individuals affected with SEPT9-related conditions. Advanced modeling of protein sequence and biophysical properties (such as structural, functional, and spatial information, amino acid conservation, physicochemical variation, residue mobility, and thermodynamic stability) performed at Invitae indicates that this missense variant is not expected to disrupt SEPT9 protein function. In summary, the available evidence is currently insufficient to determine the role of this variant in disease. Therefore, it has been classified as a Variant of Uncertain Significance.